The following is an entry in ClinVar:

ClinVar aggregate classification (germline): Uncertain significance (1 of 4 stars; one submission).

Conditions:
Inborn genetic diseases. Identifiers: MedGen C0950123, MeSH D030342.

Submission:

Ambry Genetics
Classification: Uncertain significance for Inborn genetic diseases. Last evaluated: 2026-07-11. Review status: criteria provided, single submitter. Criteria: Ambry Variant Classification Scheme 2023. Collection method: clinical testing. Allele origin: germline.
Comment: The p.S1286R variant (also known as c.3856A>C), located in coding exon 14 of the FANCM gene, results from an A to C substitution at nucleotide position 3856. The serine at codon 1286 is replaced by arginine, an amino acid with dissimilar properties. This amino acid position is conserved. In addition, this alteration is predicted to be tolerated by in silico analysis. Based on the available evidence, the clinical significance of this variant remains unclear.

NM_020937.4(FANCM):c.3856A>C (p.Ser1286Arg)

Gene: FANCM (FA complementation group M; plus strand). Cytogenetic location: 14q21.2.
Variant type: single nucleotide variant.
Coding change: c.3856A>C on transcript NM_020937.4 (MANE Select); coding-DNA position 3856, A replaced by C.
Protein change: p.Ser1286Arg; replaces serine 1286 with arginine.
Molecular consequence: missense variant.
Genome position (GRCh38, 1-based): chr14:45,176,610, A>C. VCF-style: chr14-45176610-A-C. GRCh37 (hg19) VCF-style: chr14-45645813-A-C.
Other names: c.3778A>C, p.Ser1260Arg (NM_001308133.2); short protein forms S1260R, S1286R.
Identifiers: ClinVar variation 5036609 (VCV005036609.1).